The following is an entry in ClinVar:

NM_032634.4(PIGO):c.135dup (p.Gly46fs)

Gene: PIGO (phosphatidylinositol glycan anchor biosynthesis class O; minus strand). Cytogenetic location: 9p13.3.
Variant type: Duplication.
Coding change: c.135dup on transcript NM_032634.4 (MANE Select); coding-DNA position 135, one base duplicated (A; older notation c.135dupA).
Protein change: p.Gly46fs; shifts the reading frame from glycine 46.
Molecular consequence: frameshift variant.
Genome position (GRCh38, 1-based): chr9:35,095,431, T duplicated on the plus strand (A on the coding strand, the reverse complement: PIGO is on the minus strand). VCF-style (leftmost placement, unchanged base first): chr9-35095430-C-CT. GRCh37 (hg19) VCF-style: chr9-35095427-C-CT.
Other names: c.135dup, p.Gly46fs (NM_001201484.2, NM_152850.4); short protein forms G46fs.
Identifiers: ClinVar variation 954297 (VCV000954297.7), dbSNP rs1287376106, ClinGen allele CA587568933.

ClinVar aggregate classification (germline): Pathogenic (1 of 4 stars; one submission).

Conditions:
Hyperphosphatasia with impaired intellectual development syndrome 2. Also called: Hyperphosphatasia with intellectual disability syndrome 2; GLYCOSYLPHOSPHATIDYLINOSITOL BIOSYNTHESIS DEFECT 6. Identifiers: Orphanet 247262, MedGen C3553637, MONDO:0013882, OMIM 614749.

Allele frequency attached by ClinVar (database versions not stated): gnomAD exomes below 0.00001.

Submission:

Labcorp Genetics (formerly Invitae), Labcorp
Classification: Pathogenic for Hyperphosphatasia with impaired intellectual development syndrome 2. Last evaluated: 2022-09-01. Review status: criteria provided, single submitter. Criteria: Invitae Variant Classification Sherloc (09022015). Collection method: clinical testing. Allele origin: germline.
Comment: This sequence change creates a premature translational stop signal (p.Gly46Argfs*36) in the PIGO gene. It is expected to result in an absent or disrupted protein product. Loss-of-function variants in PIGO are known to be pathogenic (PMID: 22683086, 24417746). This variant is present in population databases (no rsID available, gnomAD 0.0009%). This variant has not been reported in the literature in individuals affected with PIGO-related conditions. ClinVar contains an entry for this variant (Variation ID: 954297). For these reasons, this variant has been classified as Pathogenic.

Literature cited by the submitters: PubMed 22683086; PubMed 24417746.